The following is an entry in ClinVar:

NM_017612.5(ZCCHC8):c.1948C>A (p.Pro650Thr)

Gene: ZCCHC8 (zinc finger CCHC-type containing 8; minus strand). Cytogenetic location: 12q24.31.
Variant type: single nucleotide variant.
Coding change: c.1948C>A on transcript NM_017612.5 (MANE Select); coding-DNA position 1948, C replaced by A.
Protein change: p.Pro650Thr; replaces proline 650 with threonine.
Molecular consequence: missense variant.
Genome position (GRCh38, 1-based): chr12:122,473,673, G>T on the plus strand (C>A on the coding strand, the complement: ZCCHC8 is on the minus strand). VCF-style: chr12-122473673-G-T. GRCh37 (hg19) VCF-style: chr12-122958220-G-T.
Other names: c.1717C>A, p.Pro573Thr (NM_001350935.2); c.1651C>A, p.Pro551Thr (NM_001350936.2); c.1234C>A, p.Pro412Thr (NM_001350937.2, NM_001350938.2); short protein forms P551T, P650T, P573T, P412T.
Identifiers: ClinVar variation 1349971 (VCV001349971.8), dbSNP rs1307606856, ClinGen allele CA387047317.

ClinVar aggregate classification (germline): Uncertain significance (1 of 4 stars; one submission).

Allele frequency attached by ClinVar (database versions not stated): gnomAD exomes below 0.00001; TOPMed below 0.00001; gnomAD 0.00001.
gnomAD v4.1: 2 of 1,613,852 alleles (0.00012%); highest among the groups gnomAD compares: Non-Finnish European, 0.00017%; no homozygotes.

Submission:

Labcorp Genetics (formerly Invitae), Labcorp
Classification: Uncertain significance. Last evaluated: 2023-02-14. Review status: criteria provided, single submitter. Criteria: Invitae Variant Classification Sherloc (09022015). Collection method: clinical testing. Allele origin: germline.
Comment: This sequence change replaces proline, which is neutral and non-polar, with threonine, which is neutral and polar, at codon 650 of the ZCCHC8 protein (p.Pro650Thr). This variant is not present in population databases (gnomAD no frequency). This variant has not been reported in the literature in individuals affected with ZCCHC8-related conditions. ClinVar contains an entry for this variant (Variation ID: 1349971). Advanced modeling of protein sequence and biophysical properties (such as structural, functional, and spatial information, amino acid conservation, physicochemical variation, residue mobility, and thermodynamic stability) performed at Invitae indicates that this missense variant is not expected to disrupt ZCCHC8 protein function. In summary, the available evidence is currently insufficient to determine the role of this variant in disease. Therefore, it has been classified as a Variant of Uncertain Significance.